The following is an entry in ClinVar:

ClinVar aggregate classification (germline): Uncertain significance (1 of 4 stars; one submission).

Conditions:
Amelocerebrohypohidrotic syndrome (KTZS). Also called: Kohlschutter's syndrome; EPILEPSY AND YELLOW TEETH; EPILEPSY, DEMENTIA, AND AMELOGENESIS IMPERFECTA; KOHLSCHUTTER SYNDROME. Identifiers: Orphanet 1946, MedGen C0406740, MONDO:0009185, OMIM 226750.

gnomAD v4.1: 1 of 1,613,998 alleles (0.000062%); highest among the groups gnomAD compares: Non-Finnish European, 0.000085%; no homozygotes.

Submission:

Labcorp Genetics (formerly Invitae), Labcorp
Classification: Uncertain significance for Amelocerebrohypohidrotic syndrome. Last evaluated: 2022-08-23. Review status: criteria provided, single submitter. Criteria: Invitae Variant Classification Sherloc (09022015). Collection method: clinical testing. Allele origin: germline.
Comment: This variant is not present in population databases (gnomAD no frequency). In summary, the available evidence is currently insufficient to determine the role of this variant in disease. Therefore, it has been classified as a Variant of Uncertain Significance. Algorithms developed to predict the effect of missense changes on protein structure and function (SIFT, PolyPhen-2, Align-GVGD) all suggest that this variant is likely to be disruptive. This variant has not been reported in the literature in individuals affected with ROGDI-related conditions. This sequence change replaces valine, which is neutral and non-polar, with aspartic acid, which is acidic and polar, at codon 192 of the ROGDI protein (p.Val192Asp).

NM_024589.3(ROGDI):c.575T>A (p.Val192Asp)

Gene: ROGDI (rogdi atypical leucine zipper; minus strand). Cytogenetic location: 16p13.3.
Variant type: single nucleotide variant.
Coding change: c.575T>A on transcript NM_024589.3 (MANE Select); coding-DNA position 575, T replaced by A.
Protein change: p.Val192Asp; replaces valine 192 with aspartic acid.
Molecular consequence: missense variant. On other transcripts: non-coding transcript variant (1).
Genome position (GRCh38, 1-based): chr16:4,798,141, A>T on the plus strand (T>A on the coding strand, the complement: ROGDI is on the minus strand). VCF-style: chr16-4798141-A-T. GRCh37 (hg19) VCF-style: chr16-4848142-A-T.
Other names: short protein forms V192D.
Identifiers: ClinVar variation 2134926 (VCV002134926.4), dbSNP rs1363228432, ClinGen allele CA394650442.
Genomic context (GRCh38, chr16:4,798,141, plus strand): 5'-TTGGGCTGCAGGGCATGCAGCTGGTACACCGTGAGGCAGAGCTTGTTGAGGTTGATGTAG[A>T]CGTTGACCAGCAGGTCGGACGGCAGGGCAGGGGCGAACATCCGCTGCGGGAGGCAGGTGG-3'
Protein context (NP_078865.1, residues 182-202): PALPSDLLVN[Val192Asp]YINLNKLCLT